The following is an entry in ClinVar:

ClinVar aggregate classification (germline): Likely pathogenic (1 of 4 stars; one submission).

Submission:

Laboratorio de Genetica e Diagnostico Molecular, Hospital Israelita Albert Einstein
Classification: Likely pathogenic. Last evaluated: 2020-06-03. Review status: criteria provided, single submitter. Criteria: ACMG Guidelines, 2015. Collection method: clinical testing. Allele origin: germline. Affected: yes.
Comment: ACMG classification criteria: PVS1, PM2

NM_198514.4(NHLRC2):c.278_279del (p.Cys93fs)

Gene: NHLRC2 (NHL repeat containing 2; plus strand). Cytogenetic location: 10q25.3.
Variant type: Deletion.
Coding change: c.278_279del on transcript NM_198514.4 (MANE Select); coding-DNA positions 278 to 279, 2 bases deleted (GT; older notation c.278_279delGT).
Protein change: p.Cys93fs; shifts the reading frame from cysteine 93.
Molecular consequence: frameshift variant.
Genome position (GRCh38, 1-based): chr10:113,858,627-113,858,628, GT deleted; deleting any 2 consecutive bases within chr10:113,858,626-113,858,628 gives the same sequence; the c. name uses the placement nearest the transcript's 3' end. VCF-style (leftmost placement, unchanged base first): chr10-113858625-CTG-C. GRCh37 (hg19) VCF-style: chr10-115618384-CTG-C.
Other names: c.277_278del (NM_198514.4); short protein forms C93fs.
Identifiers: ClinVar variation 1690893 (VCV001690893.2), dbSNP rs747117082, ClinGen allele CA5697736.
Genomic context (GRCh38, chr10:113,858,625, plus strand): 5'-CTACAAGGATCTATGTGGAAAAATAGTCGTCCTTGATTTCTTCACCTACTGCTGCATAAA[CTG>C]TATTCACCTATTGCCTGATCTCCATGCATTAGAACACACATACTCTGATAAAGGTATCTG-3'